The following is an entry in ClinVar:

ClinVar aggregate classification (germline): Benign. Review status: criteria provided, multiple submitters, no conflicts (2 of 4 stars). 2 submissions from 2 submitters: Benign (2). Last evaluated 2018-01-13.

Conditions:
Neuronal ceroid lipofuscinosis 10 (CLN10). Also called: NEURONAL CEROID LIPOFUSCINOSIS DUE TO CATHEPSIN D DEFICIENCY; CTSD-Related Neuronal Ceroid-Lipofuscinosis. Identifiers: Orphanet 228337, MedGen C1864669, MONDO:0012414, OMIM 610127.

Allele frequency attached by ClinVar (database versions not stated): gnomAD exomes 0.12961; gnomAD 0.14604 and 0.15114; TOPMed 0.15089; 1000 Genomes Project 30x 0.15397; 1000 Genomes Project 0.15595.
gnomAD v4.1: 24,629 of 164,580 alleles (15%); highest among the groups gnomAD compares: South Asian, 27%; 2,025 homozygotes.

Submissions (2):

Illumina Laboratory Services, Illumina
Classification: Benign for Neuronal ceroid lipofuscinosis 10. Last evaluated: 2018-01-13. Review status: criteria provided, single submitter. Criteria: ICSL Variant Classification Criteria 13 December 2019. Collection method: clinical testing. Allele origin: germline.
Comment: This variant was observed in the ICSL laboratory as part of a predisposition screen in an ostensibly healthy population. It had not been previously curated by ICSL or reported in the Human Gene Mutation Database (HGMD: prior to June 1st, 2018), and was therefore a candidate for classification through an automated scoring system. Utilizing variant allele frequency, disease prevalence and penetrance estimates, and inheritance mode, an automated score was calculated to assess if this variant is too frequent to cause the disease. Based on the score and internal cut-off values, a variant classified as benign is not then subjected to further curation. The score for this variant resulted in a classification of benign for this disease.

Breakthrough Genomics
Classification: Benign. Review status: criteria provided, single submitter. Criteria: ACMG Guidelines, 2015. Collection method: not provided. Allele origin: germline. Inheritance: Autosomal recessive inheritance. Affected: yes.

NM_001909.5(CTSD):c.*597A>C

Gene: CTSD (cathepsin D; minus strand). Cytogenetic location: 11p15.5.
Variant type: single nucleotide variant.
Coding change: c.*597A>C on transcript NM_001909.5 (MANE Select); 597 bases downstream of the stop codon, A replaced by C.
Molecular consequence: 3 prime UTR variant.
Genome position (GRCh38, 1-based): chr11:1,752,906, T>G on the plus strand (A>C on the coding strand, the complement: CTSD is on the minus strand). VCF-style: chr11-1752906-T-G. GRCh37 (hg19) VCF-style: chr11-1774136-T-G.
Identifiers: ClinVar variation 303822 (VCV000303822.7), dbSNP rs8839, ClinGen allele CA10634225.
Genomic context (GRCh38, chr11:1,752,906, plus strand): 5'-AAGGCTGGCACCAGCCCCCAATCCCAACCCCACCTCCAGGCCAATACATGCCCCTGGGAC[T>G]GGCTCAGTCCCAGCACCACCCTGCAGGCTCCAACAAGGTGGGTTTTGTCCCCTCTCACTC-3'